The following is an entry in ClinVar:

ClinVar aggregate classification (germline): Uncertain significance. Review status: criteria provided, multiple submitters, no conflicts (2 of 4 stars). 2 submissions from 2 submitters: Uncertain significance (2). Last evaluated 2024-09-13.

Allele frequency attached by ClinVar (database versions not stated): gnomAD 0.00001; TOPMed 0.00002.

Submissions (2):

GeneDx
Classification: Uncertain significance. Last evaluated: 2024-09-13. Review status: criteria provided, single submitter. Criteria: GeneDx Variant Classification Process June 2021. Collection method: clinical testing. Allele origin: germline. Affected: yes.
Comment: Has not been previously published as pathogenic or benign to our knowledge; Not observed at significant frequency in large population cohorts (gnomAD); In silico analysis supports that this missense variant has a deleterious effect on protein structure/function

Labcorp Genetics (formerly Invitae), Labcorp
Classification: Uncertain significance. Last evaluated: 2024-07-04. Review status: criteria provided, single submitter. Criteria: Invitae Variant Classification Sherloc (09022015). Collection method: clinical testing. Allele origin: germline.
Comment: This sequence change replaces proline, which is neutral and non-polar, with leucine, which is neutral and non-polar, at codon 1569 of the LTBP4 protein (p.Pro1569Leu). This variant is present in population databases (rs753624559, gnomAD 0.006%). This variant has not been reported in the literature in individuals affected with LTBP4-related conditions. ClinVar contains an entry for this variant (Variation ID: 1321827). Experimental studies and prediction algorithms are not available or were not evaluated, and the functional significance of this variant is currently unknown. In summary, the available evidence is currently insufficient to determine the role of this variant in disease. Therefore, it has been classified as a Variant of Uncertain Significance.

NM_001042545.2(LTBP4):c.4616C>T (p.Pro1539Leu)

Gene: LTBP4 (latent transforming growth factor beta binding protein 4; plus strand). Cytogenetic location: 19q13.2.
Variant type: single nucleotide variant.
Coding change: c.4616C>T on transcript NM_001042545.2 (MANE Select); coding-DNA position 4616, C replaced by T.
Protein change: p.Pro1539Leu; replaces proline 1539 with leucine.
Molecular consequence: missense variant.
Genome position (GRCh38, 1-based): chr19:40,629,492, C>T. VCF-style: chr19-40629492-C-T. GRCh37 (hg19) VCF-style: chr19-41135397-C-T.
Other names: c.4817C>T, p.Pro1606Leu (NM_001042544.1); c.4706C>T, p.Pro1569Leu (NM_003573.2); short protein forms P1539L, P1569L, P1606L.
Identifiers: ClinVar variation 1321827 (VCV001321827.6), dbSNP rs753624559, ClinGen allele CA9449395.
Genomic context (GRCh38, chr19:40,629,492, plus strand): 5'-CGCTGTGCGTCAACGCGCGTTGCCTCAACACGGATGGCTCCTTCCGCTGCATCTGCCGCC[C>T]GGGATTCGCACCCACGCACCAGCCGCACCACTGTGCGCCCGCACGGCCCCGGGCCTGAGC-3'
Protein context (NP_001036010.1, residues 1529-1549): TDGSFRCICR[Pro1539Leu]GFAPTHQPHH